The following is an entry in ClinVar:

NM_003816.3(ADAM9):c.1236T>C (p.Tyr412=)

Gene: ADAM9 (ADAM metallopeptidase domain 9; plus strand). Cytogenetic location: 8p11.22.
Variant type: single nucleotide variant.
Coding change: c.1236T>C on transcript NM_003816.3 (MANE Select); coding-DNA position 1236, T replaced by C.
Protein change: p.Tyr412=; no amino-acid change (tyrosine 412 retained).
Molecular consequence: synonymous variant. On other transcripts: non-coding transcript variant (3).
Genome position (GRCh38, 1-based): chr8:39,042,051, T>C. VCF-style: chr8-39042051-T-C. GRCh37 (hg19) VCF-style: chr8-38899570-T-C.
Identifiers: ClinVar variation 362932 (VCV000362932.15), dbSNP rs78451751, ClinGen allele CA4721558.

ClinVar aggregate classification (germline): Benign/Likely benign. Review status: criteria provided, multiple submitters, no conflicts (2 of 4 stars). 3 submissions from 3 submitters: Benign (1); Likely benign (2). Last evaluated 2025-10-15.

Conditions:
Cone-rod dystrophy 9 (CORD9). Identifiers: Orphanet 1872, MedGen C1423873, MONDO:0013002, OMIM 612775.

Allele frequency attached by ClinVar (database versions not stated): gnomAD 0.00015 and 0.00033; TOPMed 0.00032; gnomAD exomes 0.00039 and 0.00066; ExAC 0.00069; 1000 Genomes Project 30x 0.00187; 1000 Genomes Project 0.00220.
gnomAD v4.1: 611 of 1,614,132 alleles (0.038%); highest among the groups gnomAD compares: East Asian, 1.3%; 6 homozygotes.

Submissions (3):

Labcorp Genetics (formerly Invitae), Labcorp
Classification: Benign. Last evaluated: 2025-10-15. Review status: criteria provided, single submitter. Criteria: Invitae Variant Classification Sherloc (09022015). Collection method: clinical testing. Allele origin: germline.

Blueprint Genetics
Classification: Likely benign. Last evaluated: 2024-11-15. Review status: criteria provided, single submitter. Criteria: ACMG Guidelines, 2015. Collection method: clinical testing. Allele origin: germline.

Illumina Laboratory Services, Illumina
Classification: Likely benign for Cone-rod dystrophy 9. Last evaluated: 2018-01-13. Review status: criteria provided, single submitter. Criteria: ICSL Variant Classification Criteria 13 December 2019. Collection method: clinical testing. Allele origin: germline.
Comment: This variant was observed in the ICSL laboratory as part of a predisposition screen in an ostensibly healthy population. It had not been previously curated by ICSL or reported in the Human Gene Mutation Database (HGMD: prior to June 1st, 2018), and was therefore a candidate for classification through an automated scoring system. Utilizing variant allele frequency, disease prevalence and penetrance estimates, and inheritance mode, an automated score was calculated to assess if this variant is too frequent to cause the disease. Based on the score and internal cut-off values, a variant classified as likely benign is not then subjected to further curation. The score for this variant resulted in a classification of likely benign for this disease.